The following is an entry in ClinVar:

ClinVar aggregate classification (germline): Uncertain significance (1 of 4 stars; one submission).

Conditions:
Vitamin B2 deficiency. Identifiers: MedGen C0035528.

Submission:

Labcorp Genetics (formerly Invitae), Labcorp
Classification: Uncertain significance for Vitamin B2 deficiency. Last evaluated: 2023-06-04. Review status: criteria provided, single submitter. Criteria: Invitae Variant Classification Sherloc (09022015). Collection method: clinical testing. Allele origin: germline.
Comment: In summary, the available evidence is currently insufficient to determine the role of this variant in disease. Therefore, it has been classified as a Variant of Uncertain Significance. This variant has not been reported in the literature in individuals affected with SLC52A1-related conditions. This variant is present in population databases (rs769873197, gnomAD 0.006%). This sequence change creates a premature translational stop signal (p.Val27Glyfs*8) in the SLC52A1 gene. It is expected to result in an absent or disrupted protein product. However, the current clinical and genetic evidence is not sufficient to establish whether loss-of-function variants in SLC52A1 cause disease.

NM_017986.4(SLC52A1):c.80_92del (p.Val27fs)

Gene: SLC52A1 (solute carrier family 52 member 1; minus strand). Cytogenetic location: 17p13.2.
Variant type: Deletion.
Coding change: c.80_92del on transcript NM_017986.4 (MANE Select); coding-DNA positions 80 to 92, 13 bases deleted (TGAACGGGATCTG).
Protein change: p.Val27fs; shifts the reading frame from valine 27.
Molecular consequence: frameshift variant.
Genome position (GRCh38, 1-based): chr17:5,034,515-5,034,527, CAGATCCCGTTCA deleted on the plus strand (TGAACGGGATCTG on the coding strand, the reverse complement: SLC52A1 is on the minus strand); deleting any 13 consecutive bases within chr17:5,034,515-5,034,530 gives the same sequence; the c. name uses the placement nearest the transcript's 3' end. VCF-style (leftmost placement, unchanged base first): chr17-5034514-CCAGATCCCGTTCA-C. GRCh37 (hg19) VCF-style: chr17-4937809-CCAGATCCCGTTCA-C.
Other names: c.80_92del, p.Val27fs (NM_001104577.2); short protein forms V27fs.
Identifiers: ClinVar variation 2919941 (VCV002919941.3), dbSNP rs769873197, ClinGen allele CA8319897.
Genomic context (GRCh38, chr17:5,034,514, plus strand): 5'-CCCTGTACCTCCCTCCCACTCACCCTCTGGAAGGTCTTTTACCACCACAGGCAGCTCCAC[CCAGATCCCGTTCA>C]CAGCAGCCCAGGAGCCCATGCCAAAAAGGGCCACCAGCAGGTGGGTCAGCACCAGACGGC-3'